The following is an entry in ClinVar:

NM_000268.4(NF2):c.1580A>C (p.Glu527Ala)

Gene: NF2 (NF2, moesin-ezrin-radixin like (MERLIN) tumor suppressor; plus strand). Cytogenetic location: 22q12.2.
Variant type: single nucleotide variant.
Coding change: c.1580A>C on transcript NM_000268.4 (MANE Select); coding-DNA position 1580, A replaced by C.
Protein change: p.Glu527Ala; replaces glutamic acid 527 with alanine.
Molecular consequence: missense variant. On other transcripts: intron variant (3).
Genome position (GRCh38, 1-based): chr22:29,681,444, A>C. VCF-style: chr22-29681444-A-C. GRCh37 (hg19) VCF-style: chr22-30077433-A-C.
Other names: c.1466A>C, p.Glu489Ala (NM_001407053.1, NM_001407056.1); c.1457A>C, p.Glu486Ala (NM_001407054.1, NM_001407058.1, NM_181829.3); c.1454A>C, p.Glu485Ala (NM_001407055.1, NM_181828.3); c.1445A>C, p.Glu482Ala (NM_001407057.1, NM_001407059.1); c.1322A>C, p.Glu441Ala (NM_001407062.1); c.1331A>C, p.Glu444Ala (NM_001407063.1, NM_181830.3, NM_181831.3); c.1046A>C, p.Glu349Ala (NM_001407065.1); c.1580A>C, p.Glu527Ala (NM_001407066.1, NM_016418.5, NM_181825.3 and 1 more transcripts); and 4 more; short protein forms E441A, E450A, E349A, E489A, E444A, E482A, E486A, E485A.
Identifiers: ClinVar variation 3919128 (VCV003919128.1).

ClinVar aggregate classification (germline): Uncertain significance (1 of 4 stars; one submission).

Conditions:
Hereditary cancer-predisposing syndrome. Also called: Hereditary Cancer Syndrome; Hereditary neoplastic syndrome; Neoplastic Syndromes, Hereditary; Tumor predisposition. Identifiers: Orphanet 140162, MedGen C0027672, MeSH D009386, MONDO:0015356.

Submission:

Ambry Genetics
Classification: Uncertain significance for Hereditary cancer-predisposing syndrome. Last evaluated: 2025-03-31. Review status: criteria provided, single submitter. Criteria: Ambry Variant Classification Scheme 2023. Collection method: clinical testing. Allele origin: germline.
Comment: The p.E527A variant (also known as c.1580A>C), located in coding exon 15 of the NF2 gene, results from an A to C substitution at nucleotide position 1580. The glutamic acid at codon 527 is replaced by alanine, an amino acid with dissimilar properties. This amino acid position is conserved. In addition, the in silico prediction for this alteration is inconclusive. Based on the available evidence, the clinical significance of this variant remains unclear.